The following is an entry in ClinVar:

NM_001378120.1(MBD5):c.1613G>C (p.Ser538Thr)

Gene: MBD5 (methyl-CpG binding domain protein 5; plus strand). Cytogenetic location: 2q23.1.
Variant type: single nucleotide variant.
Coding change: c.1613G>C on transcript NM_001378120.1 (MANE Select); coding-DNA position 1613, G replaced by C.
Protein change: p.Ser538Thr; replaces serine 538 with threonine.
Molecular consequence: missense variant.
Genome position (GRCh38, 1-based): chr2:148,469,556, G>C. VCF-style: chr2-148469556-G-C. GRCh37 (hg19) VCF-style: chr2-149227125-G-C.
Other names: c.1613G>C, p.Ser538Thr (NM_018328.5); short protein forms S538T.
Identifiers: ClinVar variation 3709699 (VCV003709699.2).
Genomic context (GRCh38, chr2:148,469,556, plus strand): 5'-ACAAGGATATCCCTAACCCATTAATTGCTGGAATAAGTAATGTACTAAATACCCCAAGCA[G>C]TGCAGCTTTTCCTACTGCATCTGCCGGAAGTAGTTCTGTAAAGAGTCAGCCTGGTTTGCT-3'
Protein context (NP_001365049.1, residues 528-548): GISNVLNTPS[Ser538Thr]AAFPTASAGS

ClinVar aggregate classification (germline): Uncertain significance (1 of 4 stars; one submission).

Conditions:
Intellectual developmental disorder, autosomal dominant 1. Also called: MBD5 Haploinsufficiency; Intellectual disability, autosomal dominant 1. Identifiers: Orphanet 228402, MedGen C1969562, MONDO:0007974, OMIM 156200.

gnomAD v4.1: 6 of 1,613,714 alleles (0.00037%); highest among the groups gnomAD compares: Non-Finnish European, 0.00051%; no homozygotes.

Submission:

Labcorp Genetics (formerly Invitae), Labcorp
Classification: Uncertain significance for Intellectual developmental disorder, autosomal dominant 1. Last evaluated: 2024-03-13. Review status: criteria provided, single submitter. Criteria: Invitae Variant Classification Sherloc (09022015). Collection method: clinical testing. Allele origin: germline.
Comment: This sequence change replaces serine, which is neutral and polar, with threonine, which is neutral and polar, at codon 538 of the MBD5 protein (p.Ser538Thr). This variant is present in population databases (rs770469734, gnomAD 0.0009%). This variant has not been reported in the literature in individuals affected with MBD5-related conditions. Advanced modeling of protein sequence and biophysical properties (such as structural, functional, and spatial information, amino acid conservation, physicochemical variation, residue mobility, and thermodynamic stability) performed at Invitae indicates that this missense variant is not expected to disrupt MBD5 protein function with a negative predictive value of 80%. In summary, the available evidence is currently insufficient to determine the role of this variant in disease. Therefore, it has been classified as a Variant of Uncertain Significance.